The following is an entry in ClinVar:

ClinVar aggregate classification (germline): Benign (1 of 4 stars; one submission).

Conditions:
Colorectal cancer, susceptibility to, 12 (CRCS12). Also called: COLORECTAL CANCER, SUSCEPTIBILITY TO, ON CHROMOSOME 12q24. Identifiers: Orphanet 220460, MedGen C3554460, MONDO:0014038, OMIM 615083.

gnomAD v4.1: 1 of 1,612,322 alleles (0.000062%); highest among the groups gnomAD compares: South Asian, 0.0011%; no homozygotes.

Submission:

Myriad Genetics, Inc.
Classification: Benign for Colorectal cancer, susceptibility to, 12. Last evaluated: 2025-02-07. Review status: criteria provided, single submitter. Criteria: Myriad Autosomal Dominant, Autosomal Recessive and X-Linked Classification Criteria (2023). Collection method: clinical testing. Allele origin: unknown.
Comment: This variant is considered benign. This variant is a silent/synonymous amino acid change and it is not expected to impact splicing.

NM_006231.4(POLE):c.921C>T (p.Ile307=)

Gene: POLE (DNA polymerase epsilon, catalytic subunit; minus strand). Cytogenetic location: 12q24.33.
Variant type: single nucleotide variant.
Coding change: c.921C>T on transcript NM_006231.4 (MANE Select); coding-DNA position 921, C replaced by T.
Protein change: p.Ile307=; no amino-acid change (isoleucine 307 retained).
Molecular consequence: synonymous variant.
Genome position (GRCh38, 1-based): chr12:132,676,193, G>A on the plus strand (C>T on the coding strand, the complement: POLE is on the minus strand). VCF-style: chr12-132676193-G-A. GRCh37 (hg19) VCF-style: chr12-133252779-G-A.
Identifiers: ClinVar variation 3904207 (VCV003904207.1).